The following is an entry in ClinVar:

ClinVar aggregate classification (germline): Uncertain significance. Review status: criteria provided, multiple submitters, no conflicts (2 of 4 stars). 3 submissions from 3 submitters: Uncertain significance (3). Last evaluated 2025-08-21.

Conditions:
Charcot-Marie-Tooth disease dominant intermediate C (CMTDIC). Also called: CHARCOT-MARIE-TOOTH NEUROPATHY, DOMINANT INTERMEDIATE C. Identifiers: Orphanet 100045, MedGen C1842237, MONDO:0012012, OMIM 608323.
Neurologic, endocrine, and pancreatic disease, multisystem, infantile-onset 2 (IMNEPD2). Also called: YARS1 Deficiency. Identifiers: MedGen C5543623, MONDO:0030375, OMIM 619418.

Submissions (3):

Labcorp Genetics (formerly Invitae), Labcorp
Classification: Uncertain significance for Charcot-Marie-Tooth disease dominant intermediate C. Last evaluated: 2025-08-21. Review status: criteria provided, single submitter. Criteria: Invitae Variant Classification Sherloc (09022015). Collection method: clinical testing. Allele origin: germline.
Comment: This variant, c.1438_1440del, results in the deletion of 1 amino acid(s) of the YARS protein (p.Glu480del), but otherwise preserves the integrity of the reading frame. This variant is present in population databases (no rsID available, gnomAD 0.002%). This variant has not been reported in the literature in individuals affected with YARS-related conditions. Experimental studies and prediction algorithms are not available or were not evaluated, and the functional significance of this variant is currently unknown. In summary, the available evidence is currently insufficient to determine the role of this variant in disease. Therefore, it has been classified as a Variant of Uncertain Significance.

Revvity Omics, Revvity
Classification: Uncertain significance. Last evaluated: 2025-05-24. Review status: criteria provided, single submitter. Criteria: ACMG Guidelines, 2015. Collection method: clinical testing. Allele origin: germline.

Broad Center for Mendelian Genomics, Broad Institute of MIT and Harvard
Classification: Uncertain significance for Neurologic, endocrine, and pancreatic disease, multisystem, infantile-onset 2. Last evaluated: 2024-06-19. Review status: criteria provided, single submitter. Criteria: ACMG Guidelines, 2015. Collection method: curation. Allele origin: germline. Inheritance: Autosomal recessive inheritance. Study: GREGoR Consortium.
Comment: The p.Glu480del variant in YARS1 has not been previously reported in the literature in individuals with neurodevelopmental disorder, but has been identified in 0.001% (1/91094) of South Asian chromosomes by the Genome Aggregation Database (gnomAD; dbSNP ID: rs1474096119). Although this variant has been seen in the general population in a heterozygous state, its frequency is low enough to be consistent with a recessive carrier frequency. This variant has also been reported in ClinVar (Variation ID: 2076158) and has been interpreted as a variant of uncertain significance by Invitae. This variant is a deletion of 1 amino acid at position 480 and is not predicted to alter the protein reading-frame. It is unclear if this deletion will impact the protein. In summary, the clinical significance of the p.Glu480del variant is uncertain. ACMG/AMP Criteria applied: PM2_supporting, PM4_supporting (Richards 2015).

NM_003680.4(YARS1):c.1435GAG[1] (p.Glu480del)

Gene: YARS1 (tyrosyl-tRNA synthetase 1; minus strand). Cytogenetic location: 1p35.1.
Variant type: Microsatellite.
Coding change: c.1435GAG[1] on transcript NM_003680.4 (MANE Select); one copy of the 3-base unit GAG starting at c.1435; the reference has two copies in a row; one copy, 3 bases deleted; also written c.1438_1440del.
Protein change: p.Glu480del; deletes glutamic acid 480.
Molecular consequence: inframe deletion. On other transcripts: inframe indel (1).
Genome position (GRCh38, 1-based): chr1:32,779,418-32,779,420, CTC deleted on the plus strand (GAG on the coding strand, the reverse complement: YARS1 is on the minus strand); deleting any 3 consecutive bases within chr1:32,779,418-32,779,423 gives the same sequence; the position shown is the placement nearest the transcript's 3' end. VCF-style (leftmost placement, unchanged base first): chr1-32779417-GCTC-G. GRCh37 (hg19) VCF-style: chr1-33245018-GCTC-G.
Other names: NM_003680.4(YARS1):c.1435GAG[1]; p.Glu480del; c.1435_1437GAG[1], p.Glu480del (NM_003680.3); c.1438_1440del (NM_003680.3); short protein forms E480del.
Identifiers: ClinVar variation 2076158 (VCV002076158.6), dbSNP rs1474096119, ClinGen allele CA522246364.